The following is an entry in ClinVar:

NM_001394062.1(MACF1):c.21064G>C (p.Ala7022Pro)

Gene: MACF1 (microtubule actin crosslinking factor 1; plus strand). Cytogenetic location: 1p34.3.
Variant type: single nucleotide variant.
Coding change: c.21064G>C on transcript NM_001394062.1 (MANE Select); coding-DNA position 21064, G replaced by C.
Protein change: p.Ala7022Pro; replaces alanine 7022 with proline.
Molecular consequence: missense variant.
Genome position (GRCh38, 1-based): chr1:39,455,086, G>C. VCF-style: chr1-39455086-G-C. GRCh37 (hg19) VCF-style: chr1-39920758-G-C.
Other names: c.14887G>C, p.Ala4963Pro (NM_012090.5); c.14887G>C (NM_012090.4); short protein forms A4963P, A7022P.
Identifiers: ClinVar variation 1314461 (VCV001314461.3), dbSNP rs142006710, ClinGen allele CA784535.

ClinVar aggregate classification (germline): Conflicting classifications of pathogenicity. Review status: criteria provided, conflicting classifications (1 of 4 stars). 2 submissions from 2 submitters: Uncertain significance (1); Likely benign (1). Last evaluated 2025-08-08.

Conditions:
Inborn genetic diseases. Identifiers: MedGen C0950123, MeSH D030342.

gnomAD v4.1: 8 of 1,613,698 alleles (0.0005%); highest among the groups gnomAD compares: African/African-American, 0.0093%; no homozygotes.

Submissions (2):

Ambry Genetics
Classification: Likely benign for Inborn genetic diseases. Last evaluated: 2025-08-08. Review status: criteria provided, single submitter. Criteria: Ambry Variant Classification Scheme 2023. Collection method: clinical testing. Allele origin: germline.

GeneDx
Classification: Uncertain significance. Last evaluated: 2021-04-19. Review status: criteria provided, single submitter. Criteria: GeneDx Variant Classification Process June 2021. Collection method: clinical testing. Allele origin: germline. Affected: yes.
Comment: In silico analysis supports that this missense variant has a deleterious effect on protein structure/function; Has not been previously published as pathogenic or benign to our knowledge